The following is an entry in ClinVar:

NM_017777.4(MKS1):c.119_126dup (p.Pro43fs)

Gene: MKS1 (MKS transition zone complex subunit 1; minus strand). Cytogenetic location: 17q22.
Variant type: Duplication.
Coding change: c.119_126dup on transcript NM_017777.4 (MANE Select); coding-DNA positions 119 to 126, 8 bases duplicated (ATTATCAG; older notation c.119_126dupATTATCAG).
Protein change: p.Pro43fs; shifts the reading frame from proline 43.
Molecular consequence: frameshift variant. On other transcripts: 5 prime UTR variant (1).
Genome position (GRCh38, 1-based): chr17:58,218,684-58,218,691, CTGATAAT duplicated on the plus strand (ATTATCAG on the coding strand, the reverse complement: MKS1 is on the minus strand). VCF-style (leftmost placement, unchanged base first): chr17-58218683-G-GCTGATAAT. GRCh37 (hg19) VCF-style: chr17-56296044-G-GCTGATAAT.
Other names: c.-393_-386dup (NM_001321268.2); c.119_126dup, p.Pro43fs (NM_001321269.2, NM_001330397.2); c.119_126dup, p.Pro43Ilefs (NM_001411113.1); short protein forms P43fs.
Identifiers: ClinVar variation 2044174 (VCV002044174.6), dbSNP rs2509465988, ClinGen allele CA2580094298.

ClinVar aggregate classification (germline): Pathogenic/Likely pathogenic. Review status: criteria provided, multiple submitters, no conflicts (2 of 4 stars). 3 submissions from 3 submitters: Pathogenic (2); Likely pathogenic (1). Last evaluated 2024-09-11.

Conditions:
Ciliopathy. Also called: Ciliopathies. Identifiers: Orphanet 363250, MedGen C4277690, MONDO:0005308, MeSH D000072661.
Meckel-Gruber syndrome. Also called: DYSENCEPHALIA SPLANCHNOCYSTICA; GRUBER SYNDROME; Dysencephalia splachnocystica. Identifiers: Orphanet 564, MedGen C0265215, MONDO:0018921.
Joubert syndrome. Also called: JOUBERT-BOLTSHAUSER SYNDROME; Familial aplasia of the vermis. Identifiers: Orphanet 475, MedGen C5979921, MONDO:0018772.
Bardet-Biedl syndrome 13 (BBS13). Identifiers: Orphanet 110, MedGen C2673873, MONDO:0014441, OMIM 615990.

Submissions (3):

Myriad Genetics, Inc.
Classification: Pathogenic for Ciliopathy. Last evaluated: 2024-09-11. Review status: criteria provided, single submitter. Criteria: Myriad Autosomal Dominant, Autosomal Recessive and X-Linked Classification Criteria (2023). Collection method: clinical testing. Allele origin: unknown.
Comment: NM_017777.3(MKS1):c.119_126dup8(P43Ifs*13) is expected to be pathogenic in the context of MKS1-related disorders. This variant is predicted to lead to an abnormal or absent protein product due to the creation of a premature termination codon in MKS1, a gene where loss-of-function variants are known to be pathogenic. Please note: this variant was assessed in the context of healthy population screening.

Labcorp Genetics (formerly Invitae), Labcorp
Classification: Pathogenic for Joubert syndrome; Meckel-Gruber syndrome. Last evaluated: 2023-09-15. Review status: criteria provided, single submitter. Criteria: Invitae Variant Classification Sherloc (09022015). Collection method: clinical testing. Allele origin: germline.
Comment: This sequence change creates a premature translational stop signal (p.Pro43Ilefs*13) in the MKS1 gene. It is expected to result in an absent or disrupted protein product. Loss-of-function variants in MKS1 are known to be pathogenic (PMID: 19466712, 24886560, 26490104). This variant is not present in population databases (gnomAD no frequency). This variant has not been reported in the literature in individuals affected with MKS1-related conditions. ClinVar contains an entry for this variant (Variation ID: 2044174). Algorithms developed to predict the effect of sequence changes on RNA splicing suggest that this variant may disrupt the consensus splice site. For these reasons, this variant has been classified as Pathogenic.

Baylor Genetics
Classification: Likely pathogenic for Bardet-Biedl syndrome 13. Last evaluated: 2022-10-08. Review status: criteria provided, single submitter. Criteria: ACMG Guidelines, 2015. Collection method: clinical testing. Allele origin: unknown.

Literature cited by the submitters: PubMed 19466712 (cited by Labcorp Genetics (formerly Invitae), Labcorp); PubMed 24886560 (cited by Labcorp Genetics (formerly Invitae), Labcorp); PubMed 26490104 (cited by Labcorp Genetics (formerly Invitae), Labcorp).